The following is an entry in ClinVar:

ClinVar aggregate classification (germline): Uncertain significance (1 of 4 stars; one submission).

Conditions:
Usher syndrome type 3B. Also called: USHER SYNDROME, TYPE IIIB. Identifiers: MedGen C3281066, MONDO:0013788, OMIM 614504.

Submission:

Labcorp Genetics (formerly Invitae), Labcorp
Classification: Uncertain significance for Usher syndrome type 3B. Last evaluated: 2019-07-21. Review status: criteria provided, single submitter. Criteria: Invitae Variant Classification Sherloc (09022015). Collection method: clinical testing. Allele origin: germline.
Comment: This sequence change creates a premature translational stop signal (p.Val96*) in the HARS gene. It is expected to result in an absent or disrupted protein product. This variant is not present in population databases (ExAC no frequency). This variant has not been reported in the literature in individuals with HARS-related conditions. The current clinical and genetic evidence is not sufficient to establish whether loss-of-function variants in HARS cause disease. In summary, the available evidence is currently insufficient to determine the role of this variant in disease. Therefore, it has been classified as a Variant of Uncertain Significance.

NM_002109.6(HARS1):c.286_287delinsTA (p.Val96Ter)

Gene: HARS1 (histidyl-tRNA synthetase 1; minus strand). Cytogenetic location: 5q31.3.
Variant type: Indel.
Coding change: c.286_287delinsTA on transcript NM_002109.6 (MANE Select); coding-DNA positions 286 to 287, GT replaced by TA.
Protein change: p.Val96Ter; replaces valine 96 with a stop codon.
Molecular consequence: nonsense. On other transcripts: intron variant (3).
Genome position (GRCh38, 1-based): chr5:140,683,113-140,683,114, AC replaced by TA on the plus strand (GT replaced by TA on the coding strand, the reverse complement: HARS1 is on the minus strand). VCF-style: chr5-140683113-AC-TA. GRCh37 (hg19) VCF-style: chr5-140062698-AC-TA.
Other names: c.286_287delinsTA, p.Val96Ter (NM_001258041.3, NM_001289092.2); c.199_200delinsTA, p.Val67Ter (NM_001289094.2); c.181-5099_181-5098delinsTA (NM_001289093.2); c.181-3231_181-3230delinsTA (NM_001258042.3, NM_001258040.3); short protein forms V67*, V96*.
Identifiers: ClinVar variation 945525 (VCV000945525.7), dbSNP rs1758818618, ClinGen allele CA1139659112.